The following is an entry in ClinVar:

NM_152327.5(AK7):c.1699G>A (p.Asp567Asn)

Gene: AK7 (adenylate kinase 7; plus strand). Cytogenetic location: 14q32.2.
Variant type: single nucleotide variant.
Coding change: c.1699G>A on transcript NM_152327.5 (MANE Select); coding-DNA position 1699, G replaced by A.
Protein change: p.Asp567Asn; replaces aspartic acid 567 with asparagine.
Molecular consequence: missense variant.
Genome position (GRCh38, 1-based): chr14:96,478,608, G>A. VCF-style: chr14-96478608-G-A. GRCh37 (hg19) VCF-style: chr14-96944945-G-A.
Other names: c.1699G>A (NM_152327.2); c.1630G>A, p.Asp544Asn (NM_001350888.2, NM_001350890.2); c.1621G>A, p.Asp541Asn (NM_001350891.2); c.1501G>A, p.Asp501Asn (NM_001350892.2); short protein forms D501N, D541N, D544N, D567N.
Identifiers: ClinVar variation 2421420 (VCV002421420.7), dbSNP rs368876091, ClinGen allele CA7337928.

ClinVar aggregate classification (germline): Uncertain significance. Review status: criteria provided, multiple submitters, no conflicts (2 of 4 stars). 2 submissions from 2 submitters: Uncertain significance (2). Last evaluated 2024-10-19.

Allele frequency attached by ClinVar (database versions not stated): TOPMed below 0.00001; ExAC 0.00001; gnomAD exomes 0.00001.
gnomAD v4.1: 13 of 1,614,162 alleles (0.00081%); highest among the groups gnomAD compares: South Asian, 0.0033%; no homozygotes.

Submissions (2):

Ambry Genetics
Classification: Uncertain significance. Last evaluated: 2024-10-19. Review status: criteria provided, single submitter. Criteria: Ambry Variant Classification Scheme 2023. Collection method: clinical testing. Allele origin: germline.

Labcorp Genetics (formerly Invitae), Labcorp
Classification: Uncertain significance. Last evaluated: 2024-04-10. Review status: criteria provided, single submitter. Criteria: Invitae Variant Classification Sherloc (09022015). Collection method: clinical testing. Allele origin: germline.
Comment: This sequence change replaces aspartic acid, which is acidic and polar, with asparagine, which is neutral and polar, at codon 567 of the AK7 protein (p.Asp567Asn). This variant is present in population databases (rs368876091, gnomAD 0.004%). This variant has not been reported in the literature in individuals affected with AK7-related conditions. ClinVar contains an entry for this variant (Variation ID: 2421420). Advanced modeling of protein sequence and biophysical properties (such as structural, functional, and spatial information, amino acid conservation, physicochemical variation, residue mobility, and thermodynamic stability) performed at Invitae indicates that this missense variant is not expected to disrupt AK7 protein function with a negative predictive value of 80%. In summary, the available evidence is currently insufficient to determine the role of this variant in disease. Therefore, it has been classified as a Variant of Uncertain Significance.